The following is an entry in ClinVar:

ClinVar aggregate classification (germline): Uncertain significance (1 of 4 stars; one submission).

Submission:

Labcorp Genetics (formerly Invitae), Labcorp
Classification: Uncertain significance. Last evaluated: 2022-04-11. Review status: criteria provided, single submitter. Criteria: Invitae Variant Classification Sherloc (09022015). Collection method: clinical testing. Allele origin: germline.
Comment: This variant, c.4429_4431del, results in the deletion of 1 amino acid(s) of the PTPN23 protein (p.Lys1477del), but otherwise preserves the integrity of the reading frame. This variant is present in population databases (rs766407272, gnomAD 0.01%). This variant has not been reported in the literature in individuals affected with PTPN23-related conditions. Experimental studies and prediction algorithms are not available or were not evaluated, and the functional significance of this variant is currently unknown. In summary, the available evidence is currently insufficient to determine the role of this variant in disease. Therefore, it has been classified as a Variant of Uncertain Significance.

NM_015466.4(PTPN23):c.4429_4431delAAG (p.Lys1477del)

Gene: PTPN23 (protein tyrosine phosphatase non-receptor type 23; plus strand). Cytogenetic location: 3p21.31.
Variant type: Deletion.
Coding change: c.4429_4431delAAG on transcript NM_015466.4 (MANE Select); coding-DNA positions 4429 to 4431, 3 bases deleted (AAG).
Protein change: p.Lys1477del; deletes lysine 1477.
Molecular consequence: inframe deletion.
Genome position (GRCh38, 1-based): chr3:47,412,625-47,412,627, AAG deleted; deleting any 3 consecutive bases within chr3:47,412,623-47,412,627 gives the same sequence; the c. name uses the placement nearest the transcript's 3' end. VCF-style (leftmost placement, unchanged base first): chr3-47412622-CAGA-C. GRCh37 (hg19) VCF-style: chr3-47454112-CAGA-C.
Other names: c.4051_4053delAAG, p.Lys1351del (NM_001304482.2); short protein forms K1351del, K1477del.
Identifiers: ClinVar variation 2174960 (VCV002174960.1), dbSNP rs766407272, ClinGen allele CA2366589.